The following is an entry in ClinVar:

ClinVar aggregate classification (germline): Uncertain significance (1 of 4 stars; one submission).

gnomAD v4.1: 1 of 1,606,220 alleles (0.000062%); no homozygotes.

Submission:

Labcorp Genetics (formerly Invitae), Labcorp
Classification: Uncertain significance. Last evaluated: 2020-12-18. Review status: criteria provided, single submitter. Criteria: Invitae Variant Classification Sherloc (09022015). Collection method: clinical testing. Allele origin: germline.
Comment: In summary, the available evidence is currently insufficient to determine the role of this variant in disease. Therefore, it has been classified as a Variant of Uncertain Significance. Algorithms developed to predict the effect of sequence changes on RNA splicing suggest that this variant is not likely to affect RNA splicing, but this prediction has not been confirmed by published transcriptional studies. This variant has been observed in individual(s) with clinical features of LAMC3-related conditions (PMID: 30293285). This variant is not present in population databases (ExAC no frequency). This sequence change affects codon 1209 of the LAMC3 mRNA. It is a 'silent' change, meaning that it does not change the encoded amino acid sequence of the LAMC3 protein.

Literature cited by the submitters: PubMed 30293285.

NM_006059.4(LAMC3):c.3627C>T (p.Asp1209=)

Gene: LAMC3 (laminin subunit gamma 3; plus strand). Cytogenetic location: 9q34.12.
Variant type: single nucleotide variant.
Coding change: c.3627C>T on transcript NM_006059.4 (MANE Select); coding-DNA position 3627, C replaced by T.
Protein change: p.Asp1209=; no amino-acid change (aspartic acid 1209 retained).
Molecular consequence: synonymous variant.
Genome position (GRCh38, 1-based): chr9:131,075,963, C>T. VCF-style: chr9-131075963-C-T. GRCh37 (hg19) VCF-style: chr9-133951350-C-T.
Identifiers: ClinVar variation 1439401 (VCV001439401.8), dbSNP rs1830119475, ClinGen allele CA467400398.
Genomic context (GRCh38, chr9:131,075,963, plus strand): 5'-GCTTCTCTGGAATCTGCTGGAGGGAAGGGTGGCCCTAGAGACCCAGCGGGACCTGGAGGA[C>T]AGGTGAGGCCTCCCCAGGTGTGGGTAGAAACTTTGGGGTTGGCCTCCTGGAGCCAACAGG-3'
Protein context (NP_006050.3, residues 1199-1219): VALETQRDLE[Asp1209=]RYQEVQAAQK